The following is an entry in ClinVar:

ClinVar aggregate classification (germline): Uncertain significance. Review status: criteria provided, multiple submitters, no conflicts (2 of 4 stars). 3 submissions from 3 submitters: Uncertain significance (3). Last evaluated 2025-09-30.

Conditions:
Hereditary cancer-predisposing syndrome. Also called: Neoplastic Syndromes, Hereditary; Hereditary Cancer Syndrome; Hereditary neoplastic syndrome; Tumor predisposition. Identifiers: Orphanet 140162, MedGen C0027672, MeSH D009386, MONDO:0015356.
Neuroblastoma, susceptibility to, 3. Also called: ALK-Related Neuroblastic Tumor Susceptibility. Identifiers: Orphanet 635, MedGen C2751681, MONDO:0013083, OMIM 613014.

Submissions (3):

Labcorp Genetics (formerly Invitae), Labcorp
Classification: Uncertain significance for Neuroblastoma, susceptibility to, 3. Last evaluated: 2025-09-30. Review status: criteria provided, single submitter. Criteria: Invitae Variant Classification Sherloc (09022015). Collection method: clinical testing. Allele origin: germline.
Comment: This sequence change replaces isoleucine, which is neutral and non-polar, with valine, which is neutral and non-polar, at codon 1277 of the ALK protein (p.Ile1277Val). This variant is not present in population databases (gnomAD no frequency). This variant has not been reported in the literature in individuals affected with ALK-related conditions. ClinVar contains an entry for this variant (Variation ID: 824268). An algorithm developed to predict the effect of missense changes on protein structure and function (PolyPhen-2) suggests that this variant is likely to be disruptive. In summary, the available evidence is currently insufficient to determine the role of this variant in disease. Therefore, it has been classified as a Variant of Uncertain Significance.

Ambry Genetics
Classification: Uncertain significance for Hereditary cancer-predisposing syndrome. Last evaluated: 2024-10-14. Review status: criteria provided, single submitter. Criteria: Ambry Variant Classification Scheme 2023. Collection method: clinical testing. Allele origin: germline.
Comment: The p.I1277V variant (also known as c.3829A>G), located in coding exon 25 of the ALK gene, results from an A to G substitution at nucleotide position 3829. The isoleucine at codon 1277 is replaced by valine, an amino acid with highly similar properties. This amino acid position is highly conserved in available vertebrate species. In addition, the in silico prediction for this alteration is inconclusive. Since supporting evidence is limited at this time, the clinical significance of this alteration remains unclear.

Sema4
Classification: Uncertain significance for Hereditary cancer-predisposing syndrome. Last evaluated: 2021-11-01. Review status: criteria provided, single submitter. Criteria: Sema4 Curation Guidelines. Collection method: curation. Allele origin: germline.
Comment: The ALK c.3829A>G (p.I1277V) variant has not been reported in the literature to our knowledge. It was not observed in the large and broad cohorts of the Genome Aggregation Database (PMID: 32461654). This variant has been reported in ClinVar (Variation ID: 824268). Functional studies have not been performed, and in silico predictions of the variant's effect on protein function are inconclusive. The evidence is insufficient to meet ACMG/AMP criteria for classifying the variant as benign or pathogenic. Thus, the clinical significance of this variant is currently uncertain.

NM_004304.5(ALK):c.3829A>G (p.Ile1277Val)

Gene: ALK (ALK receptor tyrosine kinase; minus strand). Cytogenetic location: 2p23.2.
Variant type: single nucleotide variant.
Coding change: c.3829A>G on transcript NM_004304.5 (MANE Select); coding-DNA position 3829, A replaced by G.
Protein change: p.Ile1277Val; replaces isoleucine 1277 with valine.
Molecular consequence: missense variant.
Genome position (GRCh38, 1-based): chr2:29,209,793, T>C on the plus strand (A>G on the coding strand, the complement: ALK is on the minus strand). VCF-style: chr2-29209793-T-C. GRCh37 (hg19) VCF-style: chr2-29432659-T-C.
Other names: c.625A>G, p.Ile209Val (NM_001353765.2); short protein forms I209V, I1277V.
Identifiers: ClinVar variation 824268 (VCV000824268.14), dbSNP rs1573102719, ClinGen allele CA346469552.
Genomic context (GRCh38, chr2:29,209,793, plus strand): 5'-AGGGGCTGAGGTGGAAGAGACAGGCCCGGAGGGGTGAGGCAGTCTTTACTCACCTGTAGA[T>C]GTCTCGGGCCATCCCGAAGTCTCCAATCTTGGCCACTCTTCCAGGGCCTGGACAGGTCAA-3'
Protein context (NP_004295.2, residues 1267-1287): KIGDFGMARD[Ile1277Val]YRASYYRKGG